The following is an entry in ClinVar:

ClinVar aggregate classification (germline): Pathogenic. Review status: criteria provided, multiple submitters, no conflicts (2 of 4 stars). 9 submissions from 9 submitters: Pathogenic (6). 3 of the submissions do not count toward it. Last evaluated 2024-03-17.

Conditions:
Inborn genetic diseases. Identifiers: MedGen C0950123, MeSH D030342.
Wiedemann-Steiner syndrome (WDSTS). Also called: Growth deficiency and mental retardation with facial dysmorphism. Identifiers: Orphanet 319182, MedGen C1854630, MONDO:0011518, OMIM 605130.
KMT2A-related disorder. Also called: KMT2A-related condition.
Rare genetic intellectual disability. Identifiers: Orphanet 183757, MedGen C5680527.
Intellectual disability. Also called: intellectual disabilities; Intellectual functioning disability; Intellectual developmental disorder. Identifiers: MedGen C3714756, MeSH D008607, MONDO:0001071, HP:0001249.
Hirsutism. Identifiers: MedGen C0019572, HP:0001007.

Submissions (9):

Genomic Medicine Center of Excellence, King Faisal Specialist Hospital and Research Centre
Classification: Pathogenic for Wiedemann-Steiner syndrome. Last evaluated: 2024-03-17. Review status: criteria provided, single submitter. Criteria: ACMG Guidelines, 2015. Collection method: research. Allele origin: germline.

Labcorp Genetics (formerly Invitae), Labcorp
Classification: Pathogenic. Last evaluated: 2023-09-30. Review status: criteria provided, single submitter. Criteria: Invitae Variant Classification Sherloc (09022015). Collection method: clinical testing. Allele origin: germline.
Comment: This sequence change creates a premature translational stop signal (p.Arg1264*) in the KMT2A gene. It is expected to result in an absent or disrupted protein product. Loss-of-function variants in KMT2A are known to be pathogenic (PMID: 22795537, 25810209, 29574747). This variant is not present in population databases (gnomAD no frequency). This premature translational stop signal has been observed in individual(s) with clinical features of KMT2A-related conditions (PMID: 28600779, 29276005, 31785789). ClinVar contains an entry for this variant (Variation ID: 522088). For these reasons, this variant has been classified as Pathogenic.

Clinical Genetics Laboratory, Skane University Hospital Lund
Classification: Pathogenic. Last evaluated: 2022-05-27. Review status: criteria provided, single submitter. Criteria: ACMG Guidelines, 2015. Collection method: clinical testing. Allele origin: germline. Affected: yes.

GeneDx
Classification: Pathogenic. Last evaluated: 2022-01-03. Review status: criteria provided, single submitter. Criteria: GeneDx Variant Classification Process June 2021. Collection method: clinical testing. Allele origin: germline. Affected: yes.
Comment: Nonsense variant predicted to result in protein truncation or nonsense mediated decay in a gene for which loss-of-function is a known mechanism of disease; Not observed in large population cohorts (gnomAD); This variant is associated with the following publications: (PMID: 28600779, 29276005, 31785789)

Blueprint Genetics
Classification: Pathogenic for KMT2A-related disorders. Last evaluated: 2021-07-06. Review status: criteria provided, single submitter. Criteria: ACMG Guidelines, 2015. Collection method: clinical testing. Allele origin: germline. Affected: yes. Observed: 3 variant alleles.

Ambry Genetics
Classification: Pathogenic for Inborn genetic diseases. Last evaluated: 2017-09-26. Review status: criteria provided, single submitter. Criteria: Ambry exome assertion method (8-5-2015). Collection method: clinical testing. Allele origin: germline. Affected: yes. Observed: 1 variant allele.

Solve-RD Consortium
Classification: Likely pathogenic for Wiedemann-Steiner syndrome. Last evaluated: 2022-06-01. Review status: no assertion criteria provided. Collection method: provider interpretation. Allele origin: inherited. Affected: yes. Not counted in ClinVar's aggregate classification.
Comment: Variant confirmed as disease-causing by referring clinical team

Variant identified during reanalysis of unsolved cases by the Solve-RD project. The Solve-RD project has received funding from the European Union’s Horizon 2020 research and innovation programme under grant agreement No 779257.

Autoinflammatory diseases unit, CHU de Montpellier
Classification: Pathogenic for Hirsutism; intellectual disability. Last evaluated: 2018-11-28. Review status: no assertion criteria provided. Collection method: clinical testing. Allele origin: de novo. Affected: yes. Not counted in ClinVar's aggregate classification.

Service de Génétique Moléculaire, Hôpital Robert Debré
Classification: Pathogenic for Rare genetic intellectual disability. Review status: no assertion criteria provided. Collection method: clinical testing. Allele origin: unknown. Affected: yes. Not counted in ClinVar's aggregate classification.

Literature cited by the submitters: PubMed 22795537 (cited by Labcorp Genetics (formerly Invitae), Labcorp); PubMed 25810209 (cited by Labcorp Genetics (formerly Invitae), Labcorp); PubMed 29574747 (cited by Labcorp Genetics (formerly Invitae), Labcorp); PubMed 28600779 (cited by Labcorp Genetics (formerly Invitae), Labcorp); PubMed 29276005 (cited by Labcorp Genetics (formerly Invitae), Labcorp); PubMed 31785789 (cited by Labcorp Genetics (formerly Invitae), Labcorp); PubMed 39825153 (cited by Solve-RD Consortium).

NM_001197104.2(KMT2A):c.3790C>T (p.Arg1264Ter)

Gene: KMT2A (lysine methyltransferase 2A; plus strand). Cytogenetic location: 11q23.3.
Variant type: single nucleotide variant.
Coding change: c.3790C>T on transcript NM_001197104.2 (MANE Select); coding-DNA position 3790, C replaced by T.
Protein change: p.Arg1264Ter; replaces arginine 1264 with a stop codon.
Molecular consequence: nonsense.
Genome position (GRCh38, 1-based): chr11:118,481,870, C>T. VCF-style: chr11-118481870-C-T. GRCh37 (hg19) VCF-style: chr11-118352585-C-T.
Other names: c.3790C>T, p.Arg1264Ter (NM_005933.4); c.3790C>T (NM_005933.3); short protein forms R1264*.
Identifiers: ClinVar variation 522088 (VCV000522088.19), dbSNP rs1555039343, ClinGen allele CA382827927.